The following is an entry in ClinVar:

NM_001481.3(DRC4):c.1025G>C (p.Arg342Pro)

Gene: DRC4 (dynein regulatory complex subunit 4; plus strand). Cytogenetic location: 16q24.3.
Variant type: single nucleotide variant.
Coding change: c.1025G>C on transcript NM_001481.3 (MANE Select); coding-DNA position 1025, G replaced by C.
Protein change: p.Arg342Pro; replaces arginine 342 with proline.
Molecular consequence: missense variant. On other transcripts: non-coding transcript variant (1).
Genome position (GRCh38, 1-based): chr16:90,040,313, G>C. VCF-style: chr16-90040313-G-C. GRCh37 (hg19) VCF-style: chr16-90106721-G-C.
Other names: c.776G>C, p.Arg259Pro (NM_001286205.2); c.449G>C, p.Arg150Pro (NM_001286208.2); c.950G>C, p.Arg317Pro (NM_001286209.2); short protein forms R150P, R259P, R317P, R342P.
Identifiers: ClinVar variation 1007085 (VCV001007085.9), dbSNP rs532241934, ClinGen allele CA397469914.

ClinVar aggregate classification (germline): Uncertain significance (1 of 4 stars; one submission).

Conditions:
Primary ciliary dyskinesia 33. Also called: CILIARY DYSKINESIA, PRIMARY, 33, WITHOUT SITUS INVERSUS. Identifiers: Orphanet 244, MedGen C4225230, MONDO:0014750, OMIM 616726.

Allele frequency attached by ClinVar (database versions not stated): TOPMed 0.00002.
gnomAD v4.1: 3 of 1,588,274 alleles (0.00019%); highest among the groups gnomAD compares: Admixed American, 0.0018%; no homozygotes.

Submission:

Labcorp Genetics (formerly Invitae), Labcorp
Classification: Uncertain significance for Primary ciliary dyskinesia 33. Last evaluated: 2020-02-17. Review status: criteria provided, single submitter. Criteria: Invitae Variant Classification Sherloc (09022015). Collection method: clinical testing. Allele origin: germline.
Comment: This variant has not been reported in the literature in individuals with GAS8-related conditions. This sequence change replaces arginine with proline at codon 342 of the GAS8 protein (p.Arg342Pro). The arginine residue is highly conserved and there is a moderate physicochemical difference between arginine and proline. This variant is not present in population databases (ExAC no frequency). Algorithms developed to predict the effect of missense changes on protein structure and function (SIFT, PolyPhen-2, Align-GVGD) all suggest that this variant is likely to be disruptive, but these predictions have not been confirmed by published functional studies and their clinical significance is uncertain. In summary, the available evidence is currently insufficient to determine the role of this variant in disease. Therefore, it has been classified as a Variant of Uncertain Significance.